The following is an entry in ClinVar:

NM_033409.4(SLC52A3):c.865G>A (p.Glu289Lys)

Gene: SLC52A3 (solute carrier family 52 member 3; minus strand). Cytogenetic location: 20p13.
Variant type: single nucleotide variant.
Coding change: c.865G>A on transcript NM_033409.4 (MANE Select); coding-DNA position 865, G replaced by A.
Protein change: p.Glu289Lys; replaces glutamic acid 289 with lysine.
Molecular consequence: missense variant.
Genome position (GRCh38, 1-based): chr20:763,706, C>T on the plus strand (G>A on the coding strand, the complement: SLC52A3 is on the minus strand). VCF-style: chr20-763706-C-T. GRCh37 (hg19) VCF-style: chr20-744350-C-T.
Other names: c.865G>A, p.Glu289Lys (NM_001370085.1, NM_001370086.1); short protein forms E289K.
Identifiers: ClinVar variation 934011 (VCV000934011.15), dbSNP rs142265627, ClinGen allele CA9724664.

ClinVar aggregate classification (germline): Conflicting classifications of pathogenicity. Review status: criteria provided, conflicting classifications (1 of 4 stars). 5 submissions from 5 submitters: Uncertain significance (3); Likely benign (2). Last evaluated 2026-01-11.

Conditions:
Inborn genetic diseases. Identifiers: MedGen C0950123, MeSH D030342.
Brown-Vialetto-van Laere syndrome 1. Also called: BROWN-VIALETTO-VAN LAERE SYNDROME 1, MILD; BULBAR PALSY, PROGRESSIVE, WITH SENSORINEURAL DEAFNESS; PONTOBULBAR PALSY WITH DEAFNESS. Identifiers: Orphanet 572550, Orphanet 97229, MedGen C0796274, MONDO:0024537, OMIM 211530.
SLC52A3-related disorder. Also called: SLC52A3-related condition.

Allele frequency attached by ClinVar (database versions not stated): ESP Exome Variant Server 0.00069; gnomAD exomes 0.00010; gnomAD 0.00046 and 0.00052; ExAC 0.00016; 1000 Genomes Project 30x 0.00031; 1000 Genomes Project 0.00040; TOPMed 0.00049.
gnomAD v4.1: 110 of 1,614,162 alleles (0.0068%); highest among the groups gnomAD compares: African/African-American, 0.14%; no homozygotes.

Submissions (5):

Labcorp Genetics (formerly Invitae), Labcorp
Classification: Likely benign for Brown-Vialetto-van Laere syndrome 1. Last evaluated: 2026-01-11. Review status: criteria provided, single submitter. Criteria: Invitae Variant Classification Sherloc (09022015). Collection method: clinical testing. Allele origin: germline.

PreventionGenetics, part of Exact Sciences
Classification: Likely benign for SLC52A3-related condition. Last evaluated: 2025-05-19. Review status: criteria provided, single submitter. Criteria: ACMG Guidelines, 2015. Collection method: clinical testing. Allele origin: germline.
Comment: This variant is classified as likely benign based on ACMG/AMP sequence variant interpretation guidelines (Richards et al. 2015 PMID: 25741868, with internal and published modifications).

GeneDx
Classification: Uncertain significance. Last evaluated: 2024-05-21. Review status: criteria provided, single submitter. Criteria: GeneDx Variant Classification Process June 2021. Collection method: clinical testing. Allele origin: germline. Affected: yes.
Comment: In silico analysis indicates that this missense variant does not alter protein structure/function; Has not been previously published as pathogenic or benign to our knowledge; This variant is associated with the following publications: (PMID: 23506902)

Ambry Genetics
Classification: Uncertain significance for Inborn genetic diseases. Last evaluated: 2022-03-03. Review status: criteria provided, single submitter. Criteria: Ambry Variant Classification Scheme 2023. Collection method: clinical testing. Allele origin: germline.
Comment: The p.E289K variant (also known as c.865G>A), located in coding exon 2 of the SLC52A3 gene, results from a G to A substitution at nucleotide position 865. The glutamic acid at codon 289 is replaced by lysine, an amino acid with similar properties. This amino acid position is not well conserved in available vertebrate species. In addition, this alteration is predicted to be tolerated by in silico analysis. Since supporting evidence is limited at this time, the clinical significance of this alteration remains unclear.

Breakthrough Genomics
Classification: Uncertain significance. Review status: criteria provided, single submitter. Criteria: ACMG Guidelines, 2015. Collection method: not provided. Allele origin: germline. Inheritance: Autosomal dominant inheritance. Affected: yes.